The following is an entry in ClinVar:

ClinVar aggregate classification (germline): Likely pathogenic (1 of 4 stars; one submission).

Conditions:
Congenital hyperammonemia, type I. Also called: CPS I DEFICIENCY; Carbamoyl phosphate synthetase 1 deficiency; Hyperammonemia due to carbamoyl phosphate synthetase 1 deficiency; CPS 1 deficiency; Carbamyl phosphate synthetase (CPS) deficiency; Carbamoyl phosphate synthetase I deficiency disease. Identifiers: Orphanet 147, MedGen C4082171, MONDO:0009376, OMIM 237300.

gnomAD v4.1: 2 of 1,613,858 alleles (0.00012%); highest among the groups gnomAD compares: Non-Finnish European, 0.00017%; no homozygotes.

Submission:

Natera, Inc.
Classification: Likely pathogenic for Carbamoyl-phosphate synthase I deficiency. Last evaluated: 2025-05-13. Review status: criteria provided, single submitter. Criteria: Natera Variant Classification Schema (03/2026). Collection method: clinical testing. Allele origin: germline.
Comment: The c.428G>A variant in CPS1 is a nonsense variant predicted to introduce a stop codon at amino acid 143. This variant is expected to result in nonsense mediated decay, truncation, or a dysfunctional protein product. This variant is rare in the general population with a frequency below the threshold expected for the associated phenotype(s). Given the available evidence, this variant is classified as Likely Pathogenic.

NM_001875.5(CPS1):c.428G>A (p.Trp143Ter)

Gene: CPS1 (carbamoyl-phosphate synthase 1; plus strand). Cytogenetic location: 2q34.
Variant type: single nucleotide variant.
Coding change: c.428G>A on transcript NM_001875.5 (MANE Select); coding-DNA position 428, G replaced by A.
Protein change: p.Trp143Ter; replaces tryptophan 143 with a stop codon.
Molecular consequence: nonsense. On other transcripts: non-coding transcript variant (1).
Genome position (GRCh38, 1-based): chr2:210,577,467, G>A. VCF-style: chr2-210577467-G-A. GRCh37 (hg19) VCF-style: chr2-211442191-G-A.
Other names: c.428G>A, p.Trp143Ter (NM_001122633.3, NM_001369257.1); c.461G>A, p.Trp154Ter (NM_001369256.1); short protein forms W143*, W154*.
Identifiers: ClinVar variation 4065306 (VCV004065306.2).